The following is an entry in ClinVar:

NM_005573.4(LMNB1):c.1039G>C (p.Ala347Pro)

Gene: LMNB1 (lamin B1; plus strand). Cytogenetic location: 5q23.2.
Variant type: single nucleotide variant.
Coding change: c.1039G>C on transcript NM_005573.4 (MANE Select); coding-DNA position 1039, G replaced by C.
Protein change: p.Ala347Pro; replaces alanine 347 with proline.
Molecular consequence: missense variant. On other transcripts: non-coding transcript variant (2).
Genome position (GRCh38, 1-based): chr5:126,819,021, G>C. VCF-style: chr5-126819021-G-C. GRCh37 (hg19) VCF-style: chr5-126154713-G-C.
Other names: c.409G>C, p.Ala137Pro (NM_001198557.2); short protein forms A137P, A347P.
Identifiers: ClinVar variation 2655668 (VCV002655668.24), dbSNP rs2479538519, ClinGen allele CA360725756.

ClinVar aggregate classification (germline): Uncertain significance (1 of 4 stars; one submission).

Submission:

CeGaT Center for Human Genetics Tuebingen
Classification: Uncertain significance. Last evaluated: 2023-10-01. Review status: criteria provided, single submitter. Criteria: CeGaT Center For Human Genetics Tuebingen Variant Classification Criteria Version 2. Collection method: clinical testing. Allele origin: germline. Affected: yes. Observed: 1 variant allele.
Comment: LMNB1: PM2, PS2:Supporting